The following is an entry in ClinVar:

ClinVar aggregate classification (germline): Conflicting classifications of pathogenicity. Review status: criteria provided, conflicting classifications (1 of 4 stars). 4 submissions from 4 submitters: Uncertain significance (3); Likely benign (1). Last evaluated 2023-12-30.

Conditions:
Hereditary cancer-predisposing syndrome. Also called: Neoplastic Syndromes, Hereditary; Tumor predisposition; Hereditary Cancer Syndrome; Hereditary neoplastic syndrome. Identifiers: Orphanet 140162, MedGen C0027672, MeSH D009386, MONDO:0015356.
Hereditary breast ovarian cancer syndrome. Also called: Hereditary breast and ovarian cancer syndrome; Hereditary breast and ovarian cancer; Hereditary breast and ovarian cancer syndrome (HBOC); Breast and ovarian cancer; Hereditary breast and/or ovarian cancer syndrome; BRCA1- and BRCA2-Associated Hereditary Breast and Ovarian Cancer. Identifiers: Orphanet 145, MedGen C0677776, MeSH D061325, MONDO:0003582. Disease mechanism: loss of function.

gnomAD v4.1: 2 of 1,612,212 alleles (0.00012%); highest among the groups gnomAD compares: Non-Finnish European, 0.00017%; no homozygotes.

Submissions (4):

Labcorp Genetics (formerly Invitae), Labcorp
Classification: Uncertain significance for Hereditary breast ovarian cancer syndrome. Last evaluated: 2023-12-30. Review status: criteria provided, single submitter. Criteria: Invitae Variant Classification Sherloc (09022015). Collection method: clinical testing. Allele origin: germline.
Comment: This sequence change replaces glutamic acid, which is acidic and polar, with lysine, which is basic and polar, at codon 1036 of the BRCA2 protein (p.Glu1036Lys). This variant is not present in population databases (gnomAD no frequency). This missense change has been observed in individual(s) with breast and/or ovarian cancer (PMID: 12938098). This variant is also known as c.3334G>A. ClinVar contains an entry for this variant (Variation ID: 481544). Advanced modeling of protein sequence and biophysical properties (such as structural, functional, and spatial information, amino acid conservation, physicochemical variation, residue mobility, and thermodynamic stability) performed at Invitae indicates that this missense variant is not expected to disrupt BRCA2 protein function with a negative predictive value of 95%. In summary, the available evidence is currently insufficient to determine the role of this variant in disease. Therefore, it has been classified as a Variant of Uncertain Significance.

GeneDx
Classification: Uncertain significance. Last evaluated: 2023-04-24. Review status: criteria provided, single submitter. Criteria: GeneDx Variant Classification Process June 2021. Collection method: clinical testing. Allele origin: germline. Affected: yes.
Comment: Observed in an individual with a personal history of breast and/or ovarian cancer and cervical cancer, who also harbored a pathogenic variant in BRCA1 (Meyer et al., 2003); In silico analysis supports that this missense variant has a deleterious effect on protein structure/function; Not observed at significant frequency in large population cohorts (gnomAD); Also known as 3334G>A; This variant is associated with the following publications: (PMID: 29884841, 32377563, 12938098, 31911673)

University of Washington Department of Laboratory Medicine, University of Washington
Classification: Likely benign for Hereditary cancer-predisposing syndrome. Last evaluated: 2023-03-23. Review status: criteria provided, single submitter. Criteria: Dines et al. (Genet Med. 2020). Collection method: curation. Allele origin: germline.
Comment: Missense variant in a coldspot region where missense variants are very unlikely to be pathogenic (PMID:31911673).

BRCA2 exon 11 coldspot. Reclassification based on statistical prior probability.

Ambry Genetics
Classification: Uncertain significance for Hereditary cancer-predisposing syndrome. Last evaluated: 2021-05-24. Review status: criteria provided, single submitter. Criteria: Ambry Variant Classification Scheme 2023. Collection method: clinical testing. Allele origin: germline.
Comment: The p.E1036K variant (also known as c.3106G>A), located in coding exon 10 of the BRCA2 gene, results from a G to A substitution at nucleotide position 3106. The glutamic acid at codon 1036 is replaced by lysine, an amino acid with similar properties. This variant was detected in 1/251 German high risk breast and/or ovarian cancer patients; this patient also had a pathogenic mutation in the BRCA1 gene (Meyer P et al. Hum. Mutat. 2003 Sep; 22(3):259). This amino acid position is not well conserved in available vertebrate species. In addition, the in silico prediction for this alteration is inconclusive. Since supporting evidence is limited at this time, the clinical significance of this alteration remains unclear.

Literature cited by the submitters: PubMed 12938098 (cited by Labcorp Genetics (formerly Invitae), Labcorp and Ambry Genetics).

NM_000059.4(BRCA2):c.3106G>A (p.Glu1036Lys)

Gene: BRCA2 (BRCA2 DNA repair associated; plus strand). Cytogenetic location: 13q13.1.
Variant type: single nucleotide variant.
Coding change: c.3106G>A on transcript NM_000059.4 (MANE Select); coding-DNA position 3106, G replaced by A.
Protein change: p.Glu1036Lys; replaces glutamic acid 1036 with lysine.
Molecular consequence: missense variant.
Genome position (GRCh38, 1-based): chr13:32,337,461, G>A. VCF-style: chr13-32337461-G-A. GRCh37 (hg19) VCF-style: chr13-32911598-G-A.
Other names: short protein forms E1036K.
Identifiers: ClinVar variation 481544 (VCV000481544.11), dbSNP rs1060502449, ClinGen allele CA387775375.